The following is an entry in ClinVar:

NM_002317.7(LOX):c.463A>G (p.Ser155Gly)

Genes: LOX (lysyl oxidase; minus strand), SRFBP1 (serum response factor binding protein 1; plus strand). Cytogenetic location: 5q23.1.
Variant type: single nucleotide variant.
Coding change: c.463A>G on transcript NM_002317.7 (MANE Select); coding-DNA position 463, A replaced by G.
Protein change: p.Ser155Gly; replaces serine 155 with glycine.
Molecular consequence: missense variant.
Genome position (GRCh38, 1-based): chr5:122,077,523, T>C on the plus strand (A>G on the coding strand, the complement: LOX is on the minus strand). VCF-style: chr5-122077523-T-C. GRCh37 (hg19) VCF-style: chr5-121413218-T-C.
Other names: c.463A>G (NM_002317.6); short protein forms S155G.
Identifiers: ClinVar variation 1388478 (VCV001388478.9), dbSNP rs775070523, ClinGen allele CA3384030.
Genomic context (GRCh38, chr5:122,077,523, plus strand): 5'-AGGGGTTGTAAGGGTCGTCGCCCACCATGCCGTCCACGCGGCTGGGCGGCCGCAGGTTAC[T>C]GAGCGCAGGAACTTCTCCCGGCGCTGTCTGGTTCTCCGCGCGCGAGGCGCCAGCTTCGCG-3'
Protein context (NP_002308.2, residues 145-165): QTAPGEVPAL[Ser155Gly]NLRPPSRVDG

ClinVar aggregate classification (germline): Conflicting classifications of pathogenicity. Review status: criteria provided, conflicting classifications (1 of 4 stars). 4 submissions from 4 submitters: Uncertain significance (3); Likely benign (1). Last evaluated 2024-11-05.

Conditions:
Cardiovascular phenotype. Identifiers: MedGen CN230736.

Allele frequency attached by ClinVar (database versions not stated): gnomAD exomes 0.00001 and 0.00002; ExAC 0.00003; gnomAD 0.00005 and 0.00006; TOPMed 0.00009.
gnomAD v4.1: 18 of 1,613,692 alleles (0.0011%); highest among the groups gnomAD compares: African/African-American, 0.012%; no homozygotes.

Submissions (4):

Labcorp Genetics (formerly Invitae), Labcorp
Classification: Likely benign. Last evaluated: 2024-11-05. Review status: criteria provided, single submitter. Criteria: Invitae Variant Classification Sherloc (09022015). Collection method: clinical testing. Allele origin: germline.

Women's Health and Genetics/Laboratory Corporation of America, LabCorp
Classification: Uncertain significance. Last evaluated: 2024-11-04. Review status: criteria provided, single submitter. Criteria: LabCorp Variant Classification Summary - May 2015. Collection method: clinical testing. Allele origin: germline.

GeneDx
Classification: Uncertain significance. Last evaluated: 2024-08-19. Review status: criteria provided, single submitter. Criteria: GeneDx Variant Classification Process June 2021. Collection method: clinical testing. Allele origin: germline. Affected: yes.
Comment: Has not been previously published as pathogenic or benign to our knowledge; In silico analysis indicates that this missense variant does not alter protein structure/function

Ambry Genetics
Classification: Uncertain significance for Cardiovascular phenotype. Last evaluated: 2022-04-03. Review status: criteria provided, single submitter. Criteria: Ambry Variant Classification Scheme 2023. Collection method: clinical testing. Allele origin: germline.
Comment: The p.S155G variant (also known as c.463A>G), located in coding exon 1 of the LOX gene, results from an A to G substitution at nucleotide position 463. The serine at codon 155 is replaced by glycine, an amino acid with similar properties. This amino acid position is conserved. In addition, this alteration is predicted to be tolerated by in silico analysis. Since supporting evidence is limited at this time, the clinical significance of this alteration remains unclear.